The following is an entry in ClinVar:

ClinVar aggregate classification (germline): Conflicting classifications of pathogenicity. Review status: criteria provided, conflicting classifications (1 of 4 stars). 2 submissions from 2 submitters: Uncertain significance (1); Likely benign (1). Last evaluated 2025-11-22.

Conditions:
Hereditary cancer-predisposing syndrome. Also called: Tumor predisposition; Hereditary Cancer Syndrome; Neoplastic Syndromes, Hereditary; Hereditary neoplastic syndrome. Identifiers: Orphanet 140162, MedGen C0027672, MeSH D009386, MONDO:0015356.
Ataxia-telangiectasia syndrome (AT). Also called: Cerebello-oculocutaneous telangiectasia; Immunodeficiency with ataxia telangiectasia; Ataxia-telangiectasia, complementation group D; AT, COMPLEMENTATION GROUP C; Ataxia-telangiectasia, complementation group E; LOUIS-BAR SYNDROME. Identifiers: Orphanet 100, MedGen C0004135, MONDO:0008840, OMIM 208900.

Allele frequency attached by ClinVar (database versions not stated): gnomAD exomes below 0.00001.
gnomAD v4.1: 2 of 1,611,856 alleles (0.00012%); highest among the groups gnomAD compares: Non-Finnish European, 0.00017%; no homozygotes.

Submissions (2):

Labcorp Genetics (formerly Invitae), Labcorp
Classification: Uncertain significance for Ataxia-telangiectasia syndrome. Last evaluated: 2025-11-22. Review status: criteria provided, single submitter. Criteria: Invitae Variant Classification Sherloc (09022015). Collection method: clinical testing. Allele origin: germline.
Comment: This sequence change replaces alanine, which is neutral and non-polar, with serine, which is neutral and polar, at codon 188 of the ATM protein (p.Ala188Ser). This variant is not present in population databases (gnomAD no frequency). This variant has not been reported in the literature in individuals affected with ATM-related conditions. ClinVar contains an entry for this variant (Variation ID: 453592). Invitae Evidence Modeling of protein sequence and biophysical properties (such as structural, functional, and spatial information, amino acid conservation, physicochemical variation, residue mobility, and thermodynamic stability) indicates that this missense variant is not expected to disrupt ATM protein function with a negative predictive value of 95%. In summary, the available evidence is currently insufficient to determine the role of this variant in disease. Therefore, it has been classified as a Variant of Uncertain Significance.

Ambry Genetics
Classification: Likely benign for Hereditary cancer-predisposing syndrome. Last evaluated: 2024-07-25. Review status: criteria provided, single submitter. Criteria: Ambry Variant Classification Scheme 2023. Collection method: clinical testing. Allele origin: germline.

NM_000051.4(ATM):c.562G>T (p.Ala188Ser)

Gene: ATM (ATM serine/threonine kinase; plus strand). Cytogenetic location: 11q22.3.
Variant type: single nucleotide variant.
Coding change: c.562G>T on transcript NM_000051.4 (MANE Select); coding-DNA position 562, G replaced by T.
Protein change: p.Ala188Ser; replaces alanine 188 with serine.
Molecular consequence: missense variant.
Genome position (GRCh38, 1-based): chr11:108,244,018, G>T. VCF-style: chr11-108244018-G-T. GRCh37 (hg19) VCF-style: chr11-108114745-G-T.
Other names: c.562G>T, p.Ala188Ser (NM_001351834.2); short protein forms A188S.
Identifiers: ClinVar variation 453592 (VCV000453592.11), dbSNP rs1555066392, ClinGen allele CA382527774.